The following is an entry in ClinVar:

ClinVar aggregate classification (germline): Uncertain significance (1 of 4 stars; one submission).

Conditions:
Polycystic kidney disease, adult type (PKD1). Also called: Polycystic Kidney Disease 1, Autosomal Dominant; Polycystic kidney disease 1; Polycystic kidney disease 1, severe; Polycystic Kidney, Autosomal Dominant; POLYCYSTIC KIDNEY DISEASE 1 WITH OR WITHOUT POLYCYSTIC LIVER DISEASE; POLYCYSTIC KIDNEY DISEASE, ADULT, TYPE I. Identifiers: MedGen C3149841, MONDO:0008263, OMIM 173900.

gnomAD v4.1: 3 of 1,608,872 alleles (0.00019%); highest among the groups gnomAD compares: Non-Finnish European, 0.00017%; no homozygotes.

Submission:

MVZ Medizinische Genetik Mainz
Classification: Uncertain significance for Polycystic kidney disease, adult type. Last evaluated: 2023-02-07. Review status: criteria provided, single submitter. Criteria: UK Practice Guidelines For Variant Classification V4 01 2020. Collection method: clinical testing. Allele origin: germline. Inheritance: Autosomal dominant inheritance. Affected: yes. Observed: 1 variant allele.
Comment: ACMG Criteria: PM2_SUP, PP3

NM_001009944.3(PKD1):c.6640C>T (p.Pro2214Ser)

Gene: PKD1 (polycystin 1, transient receptor potential channel interacting; minus strand). Cytogenetic location: 16p13.3.
Variant type: single nucleotide variant.
Coding change: c.6640C>T on transcript NM_001009944.3 (MANE Select); coding-DNA position 6640, C replaced by T.
Protein change: p.Pro2214Ser; replaces proline 2214 with serine.
Molecular consequence: missense variant.
Genome position (GRCh38, 1-based): chr16:2,108,527, G>A on the plus strand (C>T on the coding strand, the complement: PKD1 is on the minus strand). VCF-style: chr16-2108527-G-A. GRCh37 (hg19) VCF-style: chr16-2158528-G-A.
Other names: c.6640C>T, p.Pro2214Ser (NM_000296.4); short protein forms P2214S.
Identifiers: ClinVar variation 3235159 (VCV003235159.1), dbSNP rs1567191971.
Genomic context (GRCh38, chr16:2,108,527, plus strand): 5'-CGACAAACACAAAGCAGTAGTGCCCCACAGGCAGCGCCAGCCGCGGCAGCACCAGCCGAG[G>A]CCGGCTCACGTCCACGCCGGGCAGGGCCACACGCGCTGGGCGCCCCGGCCGCTGGCAGCT-3'
Protein context (NP_001009944.3, residues 2204-2224): VALPGVDVSR[Pro2214Ser]RLVLPRLALP